The following is an entry in ClinVar:

ClinVar aggregate classification (germline): Uncertain significance (1 of 4 stars; one submission).

gnomAD v4.1: 1 of 1,589,480 alleles (0.000063%); highest among the groups gnomAD compares: Non-Finnish European, 0.000086%; no homozygotes.

Submission:

GeneDx
Classification: Uncertain significance. Last evaluated: 2026-03-13. Review status: criteria provided, single submitter. Criteria: GeneDx Variant Classification Process June 2021. Collection method: clinical testing. Allele origin: germline.
Comment: Not observed at significant frequency in large population cohorts (gnomAD); In silico analysis supports that this missense variant has a deleterious effect on protein structure/function; Has not been previously published as pathogenic or benign to our knowledge; Affects a glycine residue in a Gly-X-Y motif in the triple helical region of the COL4A2 gene

NM_001846.4(COL4A2):c.2186G>A (p.Gly729Glu)

Gene: COL4A2 (collagen type IV alpha 2 chain; plus strand). Cytogenetic location: 13q34.
Variant type: single nucleotide variant.
Coding change: c.2186G>A on transcript NM_001846.4 (MANE Select); coding-DNA position 2186, G replaced by A.
Protein change: p.Gly729Glu; replaces glycine 729 with glutamic acid.
Molecular consequence: missense variant.
Genome position (GRCh38, 1-based): chr13:110,469,307, G>A. VCF-style: chr13-110469307-G-A. GRCh37 (hg19) VCF-style: chr13-111121654-G-A.
Other names: short protein forms G729E.
Identifiers: ClinVar variation 5008862 (VCV005008862.1).
Genomic context (GRCh38, chr13:110,469,307, plus strand): 5'-TCGCAGGAGCTGATGGAGGACCAGGGCCCAGGGGCTTGCCAGGAGACGCAGGTCGTGAAG[G>A]GTTCCCAGGACCCCCAGGTGAGTTGAGATCAGACCCCCATTCAGCCCCTGGGTTCCAGCG-3'
Protein context (NP_001837.2, residues 719-739): RGLPGDAGRE[Gly729Glu]FPGPPGFIGP